The following is an entry in ClinVar:

NM_194454.3(KRIT1):c.1147-2A>G

Gene: KRIT1 (KRIT1 ankyrin repeat containing; minus strand). Cytogenetic location: 7q21.2.
Variant type: single nucleotide variant.
Coding change: c.1147-2A>G on transcript NM_194454.3 (MANE Select); the canonical splice acceptor site of the intron before coding-DNA position 1147, A replaced by G.
Molecular consequence: splice acceptor variant.
Genome position (GRCh38, 1-based): chr7:92,225,829, T>C on the plus strand (A>G on the coding strand, the complement: KRIT1 is on the minus strand). VCF-style: chr7-92225829-T-C. GRCh37 (hg19) VCF-style: chr7-91855143-T-C.
Other names: c.1147-2A>G (NM_001350672.1, NM_001350676.1, NM_001350673.1 and 26 more transcripts); c.1003-2A>G (NM_001350669.1, NM_001013406.2, NM_001350670.1); c.433-2A>G (NM_001350671.1).
Identifiers: ClinVar variation 3383427 (VCV003383427.4).

ClinVar aggregate classification (germline): Pathogenic/Likely pathogenic. Review status: criteria provided, multiple submitters, no conflicts (2 of 4 stars). 3 submissions from 3 submitters: Pathogenic (1); Likely pathogenic (2). Last evaluated 2025-07-25.

Conditions:
KRIT1-related disorder. Also called: KRIT1-related condition; KRIT1-related disorders.
Cerebral cavernous malformation (CCM). Also called: Cavernous Hemangioma of Brain; Cerebral cavernous hemangioma (type); Cerebral cavernous malformations; CAVERNOUS ANGIOMA, FAMILIAL; CAVERNOUS ANGIOMATOUS MALFORMATIONS; CEREBRAL CAPILLARY MALFORMATIONS. Identifiers: Orphanet 221061, MedGen C2919945, MONDO:0000820, OMIM 116860, HP:0033522.

Submissions (3):

3billion
Classification: Pathogenic for Cerebral cavernous malformation. Last evaluated: 2025-07-25. Review status: criteria provided, single submitter. Criteria: ACMG Guidelines, 2015. Collection method: clinical testing. Allele origin: germline. Affected: yes.
Comment: The variant is observed at an extremely low frequency in the gnomAD v4.1.0 dataset (total allele frequency: <0.001%). Predicted Consequence/Location: Canonical splice site: predicted to alter splicing and result in a loss or disruption of normal protein function. Multiple pathogenic loss-of-function variants are reported downstream of the variant. In silico tools predict the variant to alter splicing and produce an abnormal transcript [SpliceAI: 0.99 (spliceogenicity >=0.2, non-spliceogenicity <0.1)]. The variant has been reported to be associated with KRIT1-related disorder (ClinVar ID: VCV003383427 /PMID: 36629374). Therefore, this variant is classified as Pathogenic according to the recommendation of ACMG/AMP guideline.

Centre of Medical Genetics, University Hospital Muenster
Classification: Likely pathogenic. Last evaluated: 2024-09-18. Review status: criteria provided, single submitter. Criteria: ACMG Guidelines, 2015. Collection method: clinical testing. Allele origin: unknown. Affected: yes. Observed: 1 variant allele, 1 heterozygote.
Comment: ACMG categories: PVS1,PM2_sup

Blueprint Genetics
Classification: Likely pathogenic for KRIT1-related disorders. Last evaluated: 2023-12-21. Review status: criteria provided, single submitter. Criteria: ACMG Guidelines, 2015. Collection method: clinical testing. Allele origin: germline. Affected: yes. Observed: 1 variant allele.

Literature cited by the submitters: PubMed 36629374 (cited by 3billion).